The following is an entry in ClinVar:

ClinVar aggregate classification (germline): Uncertain significance. Review status: criteria provided, multiple submitters, no conflicts (2 of 4 stars). 3 submissions from 3 submitters: Uncertain significance (3). Last evaluated 2025-05-21.

Conditions:
Inborn genetic diseases. Identifiers: MedGen C0950123, MeSH D030342.

gnomAD v4.1: 119 of 1,613,912 alleles (0.0074%); highest among the groups gnomAD compares: Non-Finnish European, 0.0084%; no homozygotes.

Submissions (3):

GeneDx
Classification: Uncertain significance. Last evaluated: 2025-05-21. Review status: criteria provided, single submitter. Criteria: GeneDx Variant Classification Process June 2021. Collection method: clinical testing. Allele origin: germline.
Comment: In silico analysis suggests that this missense variant does not alter protein structure/function; Has not been previously published as pathogenic or benign to our knowledge

Ambry Genetics
Classification: Uncertain significance for Inborn genetic diseases. Last evaluated: 2024-08-07. Review status: criteria provided, single submitter. Criteria: Ambry Variant Classification Scheme 2023. Collection method: clinical testing. Allele origin: germline.

Blueprint Genetics
Classification: Uncertain significance. Last evaluated: 2021-06-07. Review status: criteria provided, single submitter. Criteria: ACMG Guidelines, 2015. Collection method: clinical testing. Allele origin: germline.

NM_206933.4(USH2A):c.12611C>T (p.Thr4204Ile)

Gene: USH2A (usherin; minus strand). Cytogenetic location: 1q41.
Variant type: single nucleotide variant.
Coding change: c.12611C>T on transcript NM_206933.4 (MANE Select); coding-DNA position 12611, C replaced by T.
Protein change: p.Thr4204Ile; replaces threonine 4204 with isoleucine.
Molecular consequence: missense variant.
Genome position (GRCh38, 1-based): chr1:215,675,300, G>A on the plus strand (C>T on the coding strand, the complement: USH2A is on the minus strand). VCF-style: chr1-215675300-G-A. GRCh37 (hg19) VCF-style: chr1-215848642-G-A.
Other names: short protein forms T4204I.
Identifiers: ClinVar variation 3466559 (VCV003466559.4).
Genomic context (GRCh38, chr1:215,675,300, plus strand): 5'-ATAAATGTATTCCTTTCAGTGTTATATTCTGTGAAAACAATTTTCTCGTCGGCCTGGATT[G>A]TCTGATTTCCCCAAGCTTTTCCCTCGAAGCATCTGCGAATCACTTCATAGCGAATTATTT-3'
Protein context (NP_996816.3, residues 4194-4214): CFEGKAWGNQ[Thr4204Ile]IQADEKIVFT